The following is an entry in ClinVar:

NM_031844.3(HNRNPU):c.2213A>G (p.Gln738Arg)

Gene: HNRNPU (heterogeneous nuclear ribonucleoprotein U; minus strand). Cytogenetic location: 1q44.
Variant type: single nucleotide variant.
Coding change: c.2213A>G on transcript NM_031844.3 (MANE Select); coding-DNA position 2213, A replaced by G.
Protein change: p.Gln738Arg; replaces glutamine 738 with arginine.
Molecular consequence: missense variant.
Genome position (GRCh38, 1-based): chr1:244,855,563, T>C on the plus strand (A>G on the coding strand, the complement: HNRNPU is on the minus strand). VCF-style: chr1-244855563-T-C. GRCh37 (hg19) VCF-style: chr1-245018865-T-C.
Other names: c.2156A>G, p.Gln719Arg (NM_004501.3); short protein forms Q719R, Q738R.
Identifiers: ClinVar variation 3372249 (VCV003372249.1).

ClinVar aggregate classification (germline): Uncertain significance (1 of 4 stars; one submission).

gnomAD v4.1: 1 of 1,614,098 alleles (0.000062%); no homozygotes.

Submission:

GeneDx
Classification: Uncertain significance. Last evaluated: 2024-04-08. Review status: criteria provided, single submitter. Criteria: GeneDx Variant Classification Process June 2021. Collection method: clinical testing. Allele origin: germline. Affected: yes.
Comment: Not observed at significant frequency in large population cohorts (gnomAD); In silico analysis indicates that this missense variant does not alter protein structure/function; Has not been previously published as pathogenic or benign to our knowledge